The following is an entry in ClinVar:

ClinVar aggregate classification (germline): Uncertain significance. Review status: criteria provided, multiple submitters, no conflicts (2 of 4 stars). 2 submissions from 2 submitters: Uncertain significance (2). Last evaluated 2025-05-18.

Conditions:
Cardiovascular phenotype. Identifiers: MedGen CN230736.
Dilated cardiomyopathy 1JJ (CMD1JJ). Identifiers: Orphanet 154, MedGen C3808935, MONDO:0014095, OMIM 615235.

Allele frequency attached by ClinVar (database versions not stated): ExAC 0.00001.
gnomAD v4.1: 1 of 1,613,948 alleles (0.000062%); highest among the groups gnomAD compares: Admixed American, 0.0017%; no homozygotes.

Submissions (2):

Ambry Genetics
Classification: Uncertain significance for Cardiovascular phenotype. Last evaluated: 2025-05-18. Review status: criteria provided, single submitter. Criteria: Ambry Variant Classification Scheme 2023. Collection method: clinical testing. Allele origin: germline.
Comment: The p.V1085I variant (also known as c.3253G>A), located in coding exon 23 of the LAMA4 gene, results from a G to A substitution at nucleotide position 3253. The valine at codon 1085 is replaced by isoleucine, an amino acid with highly similar properties. This amino acid position is conserved. In addition, this alteration is predicted to be tolerated by in silico analysis. Based on the available evidence, the clinical significance of this variant remains unclear.

Labcorp Genetics (formerly Invitae), Labcorp
Classification: Uncertain significance for Dilated cardiomyopathy 1JJ. Last evaluated: 2023-12-26. Review status: criteria provided, single submitter. Criteria: Invitae Variant Classification Sherloc (09022015). Collection method: clinical testing. Allele origin: germline.
Comment: This sequence change replaces valine, which is neutral and non-polar, with isoleucine, which is neutral and non-polar, at codon 1085 of the LAMA4 protein (p.Val1085Ile). This variant is present in population databases (rs782566930, gnomAD 0.003%). This variant has not been reported in the literature in individuals affected with LAMA4-related conditions. Algorithms developed to predict the effect of missense changes on protein structure and function output the following: SIFT: "Not Available"; PolyPhen-2: "Benign"; Align-GVGD: "Not Available". The isoleucine amino acid residue is found in multiple mammalian species, which suggests that this missense change does not adversely affect protein function. In summary, the available evidence is currently insufficient to determine the role of this variant in disease. Therefore, it has been classified as a Variant of Uncertain Significance.

NM_001105206.3(LAMA4):c.3274G>A (p.Val1092Ile)

Gene: LAMA4 (laminin subunit alpha 4; minus strand). Cytogenetic location: 6q21.
Variant type: single nucleotide variant.
Coding change: c.3274G>A on transcript NM_001105206.3 (MANE Select); coding-DNA position 3274, G replaced by A.
Protein change: p.Val1092Ile; replaces valine 1092 with isoleucine.
Molecular consequence: missense variant.
Genome position (GRCh38, 1-based): chr6:112,139,128, C>T on the plus strand (G>A on the coding strand, the complement: LAMA4 is on the minus strand). VCF-style: chr6-112139128-C-T. GRCh37 (hg19) VCF-style: chr6-112460330-C-T.
Other names: c.3253G>A, p.Val1085Ile (NM_001105207.3, NM_002290.5); short protein forms V1085I, V1092I.
Identifiers: ClinVar variation 3012528 (VCV003012528.4), dbSNP rs782566930, ClinGen allele CA3965271.